The following is an entry in ClinVar:

ClinVar aggregate classification (germline): Uncertain significance. Review status: criteria provided, multiple submitters, no conflicts (2 of 4 stars). 5 submissions from 5 submitters: Uncertain significance (5). Last evaluated 2026-08-14.

Conditions:
Endometrial carcinoma. Also called: Endometrial carcinoma, somatic. Identifiers: MedGen C0476089, MONDO:0002447, OMIM 608089, HP:0012114.
MSH3-related disorder. Also called: MSH3-related condition.
Hereditary cancer-predisposing syndrome. Also called: Neoplastic Syndromes, Hereditary; Tumor predisposition; Hereditary neoplastic syndrome; Hereditary Cancer Syndrome. Identifiers: Orphanet 140162, MedGen C0027672, MeSH D009386, MONDO:0015356.

Allele frequency attached by ClinVar (database versions not stated): gnomAD exomes below 0.00001 and 0.00002; ExAC 0.00002; TOPMed 0.00003; gnomAD 0.00004; ESP Exome Variant Server 0.00008; 1000 Genomes Project 30x 0.00016; 1000 Genomes Project 0.00020.
gnomAD v4.1: 9 of 1,613,940 alleles (0.00056%); highest among the groups gnomAD compares: African/African-American, 0.011%; no homozygotes.

Submissions (5):

PreventionGenetics, part of Exact Sciences
Classification: Uncertain significance for MSH3-related condition. Last evaluated: 2026-08-14. Review status: criteria provided, single submitter. Criteria: ACMG Guidelines, 2015. Collection method: clinical testing. Allele origin: germline.
Comment: The MSH3 c.3290T>C variant is predicted to result in the amino acid substitution p.Ile1097Thr. To our knowledge, this variant has not been reported in the literature. This variant is reported in 0.020% of alleles in individuals of African descent in gnomAD and is interpreted as variant of uncertain significance in ClinVar (Variation ID: 641483). At this time, the clinical significance of this variant is uncertain due to the absence of conclusive functional and genetic evidence.

Labcorp Genetics (formerly Invitae), Labcorp
Classification: Uncertain significance. Last evaluated: 2026-02-02. Review status: criteria provided, single submitter. Criteria: Invitae Variant Classification Sherloc (09022015). Collection method: clinical testing. Allele origin: germline.
Comment: This sequence change replaces isoleucine, which is neutral and non-polar, with threonine, which is neutral and polar, at codon 1097 of the MSH3 protein (p.Ile1097Thr). This variant is present in population databases (rs377191897, gnomAD 0.02%). This variant has not been reported in the literature in individuals affected with MSH3-related conditions. ClinVar contains an entry for this variant (Variation ID: 641483). An algorithm developed to predict the effect of missense changes on protein structure and function (PolyPhen-2) suggests that this variant is likely to be tolerated. In summary, the available evidence is currently insufficient to determine the role of this variant in disease. Therefore, it has been classified as a Variant of Uncertain Significance.

Ambry Genetics
Classification: Uncertain significance for Hereditary cancer-predisposing syndrome. Last evaluated: 2025-08-30. Review status: criteria provided, single submitter. Criteria: Ambry Variant Classification Scheme 2023. Collection method: clinical testing. Allele origin: germline.

Quest Diagnostics Nichols Institute San Juan Capistrano
Classification: Uncertain significance. Last evaluated: 2024-10-09. Review status: criteria provided, single submitter. Criteria: Quest Diagnostics criteria. Collection method: clinical testing. Allele origin: unknown.
Comment: The MSH3 c.3290T>C (p.Ile1097Thr) variant has not been reported in individuals with MSH3-related conditions in the published literature. The frequency of this variant in the general population, 0.0002 (5/24968 chromosomes (Genome Aggregation Database)), is uninformative in the assessment of its pathogenicity. Analysis of this variant using bioinformatics tools for the prediction of the effect of amino acid changes on protein structure and function yielded predictions that this variant is benign. Based on the available information, we are unable to determine the clinical significance of this variant.

Baylor Genetics
Classification: Uncertain significance for Endometrial carcinoma. Last evaluated: 2024-01-08. Review status: criteria provided, single submitter. Criteria: ACMG Guidelines, 2015. Collection method: clinical testing. Allele origin: unknown.

NM_002439.5(MSH3):c.3290T>C (p.Ile1097Thr)

Gene: MSH3 (mutS homolog 3; plus strand). Cytogenetic location: 5q14.1.
Variant type: single nucleotide variant.
Coding change: c.3290T>C on transcript NM_002439.5 (MANE Select); coding-DNA position 3290, T replaced by C.
Protein change: p.Ile1097Thr; replaces isoleucine 1097 with threonine.
Molecular consequence: missense variant.
Genome position (GRCh38, 1-based): chr5:80,873,275, T>C. VCF-style: chr5-80873275-T-C. GRCh37 (hg19) VCF-style: chr5-80169094-T-C.
Other names: short protein forms I1097T.
Identifiers: ClinVar variation 641483 (VCV000641483.18), dbSNP rs377191897, ClinGen allele CA3328496.